The following is an entry in ClinVar:

ClinVar aggregate classification (germline): Benign. Review status: criteria provided, multiple submitters, no conflicts (2 of 4 stars). 3 submissions from 3 submitters: Benign (2). 1 of the submissions does not count toward it. Last evaluated 2026-02-02.

Conditions:
PLXNA2-related disorder. Also called: PLXNA2-related condition.

Allele frequency attached by ClinVar (database versions not stated): gnomAD 0.15548 and 0.15596; TOPMed 0.16004; ESP Exome Variant Server 0.15931; ExAC 0.16738; gnomAD exomes 0.18750 and 0.16849; 1000 Genomes Project 30x 0.13835; 1000 Genomes Project 0.13958.

Submissions (3):

Labcorp Genetics (formerly Invitae), Labcorp
Classification: Benign. Last evaluated: 2026-02-02. Review status: criteria provided, single submitter. Criteria: Invitae Variant Classification Sherloc (09022015). Collection method: clinical testing. Allele origin: germline.

Breakthrough Genomics
Classification: Benign. Review status: criteria provided, single submitter. Criteria: ACMG Guidelines, 2015. Collection method: not provided. Allele origin: germline. Inheritance: Unknown mechanism. Affected: yes.

PreventionGenetics, part of Exact Sciences
Classification: Benign for PLXNA2-related condition. Last evaluated: 2022-04-11. Review status: no assertion criteria provided. Collection method: clinical testing. Allele origin: germline. Not counted in ClinVar's aggregate classification.
Comment: This variant is classified as benign based on ACMG/AMP sequence variant interpretation guidelines (Richards et al. 2015 PMID: 25741868, with internal and published modifications).

NM_025179.4(PLXNA2):c.799G>A (p.Ala267Thr)

Gene: PLXNA2 (plexin A2; minus strand). Cytogenetic location: 1q32.2.
Variant type: single nucleotide variant.
Coding change: c.799G>A on transcript NM_025179.4 (MANE Select); coding-DNA position 799, G replaced by A.
Protein change: p.Ala267Thr; replaces alanine 267 with threonine.
Molecular consequence: missense variant.
Genome position (GRCh38, 1-based): chr1:208,217,124, C>T on the plus strand (G>A on the coding strand, the complement: PLXNA2 is on the minus strand). VCF-style: chr1-208217124-C-T. GRCh37 (hg19) VCF-style: chr1-208390469-C-T.
Other names: c.799G>A (NM_025179.3); short protein forms A267T.
Identifiers: ClinVar variation 1165906 (VCV001165906.12), dbSNP rs3748735, ClinGen allele CA1374022.